The following is an entry in ClinVar:

ClinVar aggregate classification (germline): Conflicting classifications of pathogenicity. Review status: criteria provided, conflicting classifications (1 of 4 stars). 5 submissions from 5 submitters: Uncertain significance (4); Likely benign (1). Last evaluated 2026-01-09.

Conditions:
Osteogenesis imperfecta type I (OI1). Also called: Lobstein's Disease; Classic Non-deforming Osteogenesis Imperfecta with Blue Sclerae; Lobstein disease; OI, TYPE I; OSTEOGENESIS IMPERFECTA TARDA; OSTEOGENESIS IMPERFECTA WITH BLUE SCLERAE. Identifiers: Orphanet 216796, Orphanet 666, MedGen C0023931, MONDO:0008146, OMIM 166200. Disease mechanism: loss of function.
Ehlers-Danlos syndrome, classic type, 1 (EDSCL1). Also called: Ehlers-Danlos syndrome, type 1; Ehlers-Danlos Syndrome, Classic Type, COL5A1-Related; EDS I; EHLERS-DANLOS SYNDROME, GRAVIS TYPE; EHLERS-DANLOS SYNDROME, SEVERE CLASSIC TYPE. Identifiers: MedGen C0268335, MONDO:0019567, OMIM 130000.
Cardiovascular phenotype. Identifiers: MedGen CN230736.

Allele frequency attached by ClinVar (database versions not stated): gnomAD 0.00017; gnomAD exomes 0.00008 and 0.00006; TOPMed 0.00013; ExAC 0.00004; ESP Exome Variant Server 0.00008.
gnomAD v4.1: 107 of 1,614,082 alleles (0.0066%); highest among the groups gnomAD compares: Admixed American, 0.067%; no homozygotes.

Submissions (5):

Women's Health and Genetics/Laboratory Corporation of America, LabCorp
Classification: Uncertain significance. Last evaluated: 2026-01-09. Review status: criteria provided, single submitter. Criteria: LabCorp Variant Classification Summary - May 2015. Collection method: clinical testing. Allele origin: germline.
Comment: Variant summary: COL1A2 c.1583A>G (p.Asn528Ser) results in a conservative amino acid change in the encoded protein sequence. Algorithms developed to predict the effect of missense changes on protein structure and function are either unavailable or do not agree on the potential impact of this missense change. The variant allele was found at a frequency of 8.3e-05 in 251580 control chromosomes. This frequency is not significantly higher than estimated for disease-causing variants in COL1A2, allowing no conclusion about variant significance. To our knowledge, no occurrence of c.1583A>G in individuals affected with COL1A2-related conditions and no experimental evidence demonstrating its impact on protein function have been reported. ClinVar contains an entry for this variant (Variation ID: 848478). Based on the evidence outlined above, the variant was classified as uncertain significance.

Labcorp Genetics (formerly Invitae), Labcorp
Classification: Uncertain significance for Osteogenesis imperfecta type I; Ehlers-Danlos syndrome, classic type, 1. Last evaluated: 2025-06-30. Review status: criteria provided, single submitter. Criteria: Invitae Variant Classification Sherloc (09022015). Collection method: clinical testing. Allele origin: germline.
Comment: This sequence change replaces asparagine, which is neutral and polar, with serine, which is neutral and polar, at codon 528 of the COL1A2 protein (p.Asn528Ser). This variant is present in population databases (rs41317144, gnomAD 0.04%). This missense change has been observed in individual(s) with COL1A2-related conditions (PMID: 21520333). ClinVar contains an entry for this variant (Variation ID: 848478). Invitae Evidence Modeling of protein sequence and biophysical properties (such as structural, functional, and spatial information, amino acid conservation, physicochemical variation, residue mobility, and thermodynamic stability) indicates that this missense variant is not expected to disrupt COL1A2 protein function with a negative predictive value of 95%. In summary, the available evidence is currently insufficient to determine the role of this variant in disease. Therefore, it has been classified as a Variant of Uncertain Significance.

Ambry Genetics
Classification: Uncertain significance for Cardiovascular phenotype. Last evaluated: 2025-04-22. Review status: criteria provided, single submitter. Criteria: Ambry Variant Classification Scheme 2023. Collection method: clinical testing. Allele origin: germline.
Comment: The p.N528S variant (also known as c.1583A>G), located in coding exon 27 of the COL1A2 gene, results from an A to G substitution at nucleotide position 1583. The asparagine at codon 528 is replaced by serine, an amino acid with highly similar properties. This amino acid position is highly conserved in available vertebrate species. In addition, the in silico prediction for this alteration is inconclusive. Based on the available evidence, the clinical significance of this variant remains unclear.

GeneDx
Classification: Uncertain significance. Last evaluated: 2023-03-15. Review status: criteria provided, single submitter. Criteria: GeneDx Variant Classification Process June 2021. Collection method: clinical testing. Allele origin: germline. Affected: yes.
Comment: Has not been previously published as pathogenic or benign in association with a COL1A2-related disorder to our knowledge; Occurs in the triple helical domain at the Y position in the canonical Gly-X-Y repeat; although this variant may have an effect on normal protein folding and function, missense substitution at the Y position is not a common mechanism of disease (HGMD); In silico analysis supports that this missense variant does not alter protein structure/function; This variant is associated with the following publications: (PMID: 21520333, 18272325)

ARUP Laboratories, Molecular Genetics and Genomics, ARUP Laboratories
Classification: Likely benign. Last evaluated: 2019-09-21. Review status: criteria provided, single submitter. Criteria: ARUP Molecular Germline Variant Investigation Process. Collection method: clinical testing. Allele origin: germline.

Literature cited by the submitters: PubMed 18272325 (cited by Women's Health and Genetics/Laboratory Corporation of America, LabCorp); PubMed 21520333 (cited by Labcorp Genetics (formerly Invitae), Labcorp).

NM_000089.4(COL1A2):c.1583A>G (p.Asn528Ser)

Gene: COL1A2 (collagen type I alpha 2 chain; plus strand). Cytogenetic location: 7q21.3.
Variant type: single nucleotide variant.
Coding change: c.1583A>G on transcript NM_000089.4 (MANE Select); coding-DNA position 1583, A replaced by G.
Protein change: p.Asn528Ser; replaces asparagine 528 with serine.
Molecular consequence: missense variant.
Genome position (GRCh38, 1-based): chr7:94,413,715, A>G. VCF-style: chr7-94413715-A-G. GRCh37 (hg19) VCF-style: chr7-94043027-A-G.
Other names: short protein forms N528S.
Identifiers: ClinVar variation 848478 (VCV000848478.21), dbSNP rs41317144, ClinGen allele CA4347124.